The following is an entry in ClinVar:

ClinVar aggregate classification (germline): Likely benign. Review status: criteria provided, multiple submitters, no conflicts (2 of 4 stars). 3 submissions from 3 submitters: Likely benign (3). Last evaluated 2025-04-05.

Conditions:
Cardiovascular phenotype. Identifiers: MedGen CN230736.
Dilated cardiomyopathy 1KK (CMD1KK). Identifiers: Orphanet 154, Orphanet 75249, MedGen C3714995, MONDO:0014100, OMIM 615248.

Allele frequency attached by ClinVar (database versions not stated): ExAC 0.00002; gnomAD 0.00002 and 0.00003; TOPMed 0.00002; gnomAD exomes 0.00003 and 0.00005; 1000 Genomes Project 30x 0.00031; 1000 Genomes Project 0.00040.
gnomAD v4.1: 79 of 1,614,148 alleles (0.0049%); highest among the groups gnomAD compares: Non-Finnish European, 0.0062%; no homozygotes.

Submissions (3):

Ambry Genetics
Classification: Likely benign for Cardiovascular phenotype. Last evaluated: 2025-04-05. Review status: criteria provided, single submitter. Criteria: Ambry Variant Classification Scheme 2023. Collection method: clinical testing. Allele origin: germline.

Labcorp Genetics (formerly Invitae), Labcorp
Classification: Likely benign for Dilated cardiomyopathy 1KK. Last evaluated: 2025-01-20. Review status: criteria provided, single submitter. Criteria: Invitae Variant Classification Sherloc (09022015). Collection method: clinical testing. Allele origin: germline.

GeneDx
Classification: Likely benign. Last evaluated: 2017-05-25. Review status: criteria provided, single submitter. Criteria: GeneDx Variant Classification (06012015). Collection method: clinical testing. Allele origin: germline. Affected: yes.
Comment: This variant is considered likely benign or benign based on one or more of the following criteria: it is a conservative change, it occurs at a poorly conserved position in the protein, it is predicted to be benign by multiple in silico algorithms, and/or has population frequency not consistent with disease.

NM_032578.4(MYPN):c.948C>T (p.His316=)

Gene: MYPN (myopalladin; plus strand). Cytogenetic location: 10q21.3.
Variant type: single nucleotide variant.
Coding change: c.948C>T on transcript NM_032578.4 (MANE Select); coding-DNA position 948, C replaced by T.
Protein change: p.His316=; no amino-acid change (histidine 316 retained).
Molecular consequence: synonymous variant. On other transcripts: non-coding transcript variant (2).
Genome position (GRCh38, 1-based): chr10:68,142,985, C>T. VCF-style: chr10-68142985-C-T. GRCh37 (hg19) VCF-style: chr10-69902742-C-T.
Other names: c.948C>T, p.His316= (NM_001256267.2); c.66C>T, p.His22= (NM_001256268.2); c.948C>T (NM_032578.2).
Identifiers: ClinVar variation 506363 (VCV000506363.5), dbSNP rs200674758, ClinGen allele CA5522384.